The following is an entry in ClinVar:

ClinVar aggregate classification (germline): Uncertain significance. Review status: criteria provided, multiple submitters, no conflicts (2 of 4 stars). 2 submissions from 2 submitters: Uncertain significance (2). Last evaluated 2025-09-09.

Conditions:
Inborn genetic diseases. Identifiers: MedGen C0950123, MeSH D030342.

Allele frequency attached by ClinVar (database versions not stated): gnomAD 0.00002; gnomAD exomes below 0.00001; TOPMed 0.00002.
gnomAD v4.1: 8 of 1,614,076 alleles (0.0005%); highest among the groups gnomAD compares: Non-Finnish European, 0.00068%; no homozygotes.

Submissions (2):

Ambry Genetics
Classification: Uncertain significance for Inborn genetic diseases. Last evaluated: 2025-09-09. Review status: criteria provided, single submitter. Criteria: Ambry Variant Classification Scheme 2023. Collection method: clinical testing. Allele origin: germline.

Labcorp Genetics (formerly Invitae), Labcorp
Classification: Uncertain significance. Last evaluated: 2025-05-27. Review status: criteria provided, single submitter. Criteria: Invitae Variant Classification Sherloc (09022015). Collection method: clinical testing. Allele origin: germline.
Comment: This sequence change replaces histidine, which is basic and polar, with arginine, which is basic and polar, at codon 363 of the HIVEP2 protein (p.His363Arg). This variant is present in population databases (rs568145998, gnomAD 0.0009%). This variant has not been reported in the literature in individuals affected with HIVEP2-related conditions. ClinVar contains an entry for this variant (Variation ID: 2906030). Invitae Evidence Modeling of protein sequence and biophysical properties (such as structural, functional, and spatial information, amino acid conservation, physicochemical variation, residue mobility, and thermodynamic stability) indicates that this missense variant is expected to disrupt HIVEP2 protein function with a positive predictive value of 80%. In summary, the available evidence is currently insufficient to determine the role of this variant in disease. Therefore, it has been classified as a Variant of Uncertain Significance.

NM_006734.4(HIVEP2):c.1088A>G (p.His363Arg)

Gene: HIVEP2 (HIVEP zinc finger 2; minus strand). Cytogenetic location: 6q24.2.
Variant type: single nucleotide variant.
Coding change: c.1088A>G on transcript NM_006734.4 (MANE Select); coding-DNA position 1088, A replaced by G.
Protein change: p.His363Arg; replaces histidine 363 with arginine.
Molecular consequence: missense variant.
Genome position (GRCh38, 1-based): chr6:142,773,651, T>C on the plus strand (A>G on the coding strand, the complement: HIVEP2 is on the minus strand). VCF-style: chr6-142773651-T-C. GRCh37 (hg19) VCF-style: chr6-143094788-T-C.
Other names: c.1088A>G (NM_006734.3); short protein forms H363R.
Identifiers: ClinVar variation 2906030 (VCV002906030.4), dbSNP rs568145998, ClinGen allele CA149019833.